The following is an entry in ClinVar:

ClinVar aggregate classification (germline): Conflicting classifications of pathogenicity. Review status: criteria provided, conflicting classifications (1 of 4 stars). 7 submissions from 7 submitters: Uncertain significance (3); Benign (1); Likely benign (1). 2 of the submissions do not count toward it. Last evaluated 2025-07-16.

Conditions:
Hereditary cancer-predisposing syndrome. Also called: Tumor predisposition; Neoplastic Syndromes, Hereditary; Hereditary neoplastic syndrome; Hereditary Cancer Syndrome. Identifiers: Orphanet 140162, MedGen C0027672, MeSH D009386, MONDO:0015356.
Hereditary breast ovarian cancer syndrome. Also called: Hereditary breast and ovarian cancer; Hereditary breast and ovarian cancer syndrome (HBOC); Hereditary breast and ovarian cancer syndrome; BRCA1- and BRCA2-Associated Hereditary Breast and Ovarian Cancer; Breast and ovarian cancer; Hereditary breast and/or ovarian cancer syndrome. Identifiers: Orphanet 145, MedGen C0677776, MeSH D061325, MONDO:0003582. Disease mechanism: loss of function.
Breast-ovarian cancer, familial, susceptibility to, 2 (BROVCA2). Also called: BRCA2 Hereditary Breast and Ovarian Cancer. Identifiers: Orphanet 145, MedGen C2675520, MONDO:0012933, OMIM 612555. Disease mechanism: loss of function.

Submissions (7):

Dipartimento Di Medicina Di Precisione, Università Degli Studi Della Campania Luigi Vanvitelli
Classification: Benign for Breast-ovarian cancer, familial, susceptibility to, 2. Last evaluated: 2025-07-16. Review status: criteria provided, single submitter. Criteria: ACMG Guidelines, 2015. Collection method: clinical testing. Allele origin: germline. Affected: yes. Observed: 1 heterozygote.
Comment: This missense variant c.4391C>T (p.Ser1464Phe) in the BRCA2 gene affects exon 11, the longest and functionally most important exon of the gene. It results in the substitution of serine with phenylalanine at codon 1464. The residue is moderately conserved, and the physicochemical difference between serine (polar) and phenylalanine (hydrophobic and bulky) is notable. However, in silico predictions (BayesDel, REVEL) suggest a tolerated or benign effect on protein function. Currently, no strong clinical or functional evidence supports pathogenicity. Based on the available data, this variant is interpreted as likely benign.

Labcorp Genetics (formerly Invitae), Labcorp
Classification: Uncertain significance for Hereditary breast ovarian cancer syndrome. Last evaluated: 2024-09-05. Review status: criteria provided, single submitter. Criteria: Invitae Variant Classification Sherloc (09022015). Collection method: clinical testing. Allele origin: germline.
Comment: This sequence change replaces serine, which is neutral and polar, with phenylalanine, which is neutral and non-polar, at codon 1464 of the BRCA2 protein (p.Ser1464Phe). This variant is not present in population databases (gnomAD no frequency). This variant has not been reported in the literature in individuals affected with BRCA2-related conditions. ClinVar contains an entry for this variant (Variation ID: 156168). Invitae Evidence Modeling of protein sequence and biophysical properties (such as structural, functional, and spatial information, amino acid conservation, physicochemical variation, residue mobility, and thermodynamic stability) indicates that this missense variant is not expected to disrupt BRCA2 protein function with a negative predictive value of 95%. In summary, the available evidence is currently insufficient to determine the role of this variant in disease. Therefore, it has been classified as a Variant of Uncertain Significance.

University of Washington Department of Laboratory Medicine, University of Washington
Classification: Likely benign for Hereditary cancer-predisposing syndrome. Last evaluated: 2023-03-23. Review status: criteria provided, single submitter. Criteria: Dines et al. (Genet Med. 2020). Collection method: curation. Allele origin: germline.
Comment: Missense variant in a coldspot region where missense variants are very unlikely to be pathogenic (PMID:31911673).

BRCA2 exon 11 coldspot. Reclassification based on statistical prior probability.

Color Diagnostics, LLC DBA Color Health
Classification: Uncertain significance for Hereditary cancer-predisposing syndrome. Last evaluated: 2019-03-28. Review status: criteria provided, single submitter. Criteria: ACMG Guidelines, 2015. Collection method: clinical testing. Allele origin: germline.

Ambry Genetics
Classification: Uncertain significance for Hereditary cancer-predisposing syndrome. Last evaluated: 2018-06-08. Review status: criteria provided, single submitter. Criteria: Ambry Variant Classification Scheme 2023. Collection method: clinical testing. Allele origin: germline.
Comment: The p.S1464F variant (also known as c.4391C>T), located in coding exon 10 of the BRCA2 gene, results from a C to T substitution at nucleotide position 4391. The serine at codon 1464 is replaced by phenylalanine, an amino acid with highly dissimilar properties. This amino acid position is well conserved in available vertebrate species. In addition, this alteration is predicted to be tolerated by in silico analysis. Since supporting evidence is limited at this time, the clinical significance of this alteration remains unclear.

Department of Medical and Surgical Sciences, University of Bologna
Classification: Likely benign for Breast-ovarian cancer, familial, susceptibility to, 2. Last evaluated: 2023-09-01. Review status: no assertion criteria provided. Collection method: clinical testing. Allele origin: germline. Affected: yes. Not counted in ClinVar's aggregate classification.
Comment: PM2(Supporting)+BP1(Strong) according to ACMG/AMP classification guidelines specified for BRCA1 & BRCA2 (Classification Criteria V1.0.0 2023-09-08) (PMID: 38160042)

Sharing Clinical Reports Project (SCRP)
Classification: Uncertain significance for Breast-ovarian cancer, familial 2. Last evaluated: 2007-03-14. Review status: no assertion criteria provided. Collection method: clinical testing. Allele origin: germline. Not counted in ClinVar's aggregate classification.

Literature cited by the submitters: DOI 10.3390/ijms26135928 (cited by Dipartimento Di Medicina Di Precisione, Università Degli Studi Della Campania Luigi Vanvitelli).

NM_000059.4(BRCA2):c.4391C>T (p.Ser1464Phe)

Gene: BRCA2 (BRCA2 DNA repair associated; plus strand). Cytogenetic location: 13q13.1.
Variant type: single nucleotide variant.
Coding change: c.4391C>T on transcript NM_000059.4 (MANE Select); coding-DNA position 4391, C replaced by T.
Protein change: p.Ser1464Phe; replaces serine 1464 with phenylalanine.
Molecular consequence: missense variant.
Genome position (GRCh38, 1-based): chr13:32,338,746, C>T. VCF-style: chr13-32338746-C-T. GRCh37 (hg19) VCF-style: chr13-32912883-C-T.
Other names: (p.Ser1464Phe); short protein forms S1464F.
Identifiers: ClinVar variation 156168 (VCV000156168.22), dbSNP rs587776464, ClinGen allele CA020084.
Genomic context (GRCh38, chr13:32,338,746, plus strand): 5'-ATAAAATTGTAAATTTCTTTGATCAGAAACCAGAAGAATTGCATAACTTTTCCTTAAATT[C>T]TGAATTACATTCTGACATAAGAAAGAACAAAATGGACATTCTAAGTTATGAGGAAACAGA-3'
Protein context (NP_000050.3, residues 1454-1474): PEELHNFSLN[Ser1464Phe]ELHSDIRKNK